The following is an entry in ClinVar:

ClinVar aggregate classification (germline): Uncertain significance (1 of 4 stars; one submission).

Conditions:
Hereditary sensory neuropathy-deafness-dementia syndrome. Also called: HSN IE; Hereditary Sensory and Autonomic Neuropathy Type 1E (HSAN1E); Hereditary sensory neuropathy type IE; NEUROPATHY, HEREDITARY SENSORY, WITH HEARING LOSS AND DEMENTIA. Identifiers: Orphanet 456318, MedGen C3279885, MONDO:0013584, OMIM 614116.

Submission:

Labcorp Genetics (formerly Invitae), Labcorp
Classification: Uncertain significance for Hereditary sensory neuropathy-deafness-dementia syndrome. Last evaluated: 2022-04-30. Review status: criteria provided, single submitter. Criteria: Invitae Variant Classification Sherloc (09022015). Collection method: clinical testing. Allele origin: germline.
Comment: This variant has not been reported in the literature in individuals affected with DNMT1-related conditions. In summary, the available evidence is currently insufficient to determine the role of this variant in disease. Therefore, it has been classified as a Variant of Uncertain Significance. Experimental studies and prediction algorithms are not available or were not evaluated, and the functional significance of this variant is currently unknown. This variant is not present in population databases (gnomAD no frequency). This variant, c.2764_2766del, results in the deletion of 1 amino acid(s) of the DNMT1 protein (p.Glu922del), but otherwise preserves the integrity of the reading frame.

NM_001130823.3(DNMT1):c.2764_2766del (p.Glu922del)

Gene: DNMT1 (DNA methyltransferase 1; minus strand). Cytogenetic location: 19p13.2.
Variant type: Deletion.
Coding change: c.2764_2766del on transcript NM_001130823.3 (MANE Select); coding-DNA positions 2764 to 2766, 3 bases deleted (GAA; older notation c.2764_2766delGAA).
Protein change: p.Glu922del; deletes glutamic acid 922.
Molecular consequence: inframe deletion.
Genome position (GRCh38, 1-based): chr19:10,146,479-10,146,481, TTC deleted on the plus strand (GAA on the coding strand, the reverse complement: DNMT1 is on the minus strand); deleting any 3 consecutive bases within chr19:10,146,479-10,146,483 gives the same sequence; the c. name uses the placement nearest the transcript's 3' end. VCF-style (leftmost placement, unchanged base first): chr19-10146478-TTTC-T. GRCh37 (hg19) VCF-style: chr19-10257154-TTTC-T.
Other names: c.2716_2718del, p.Glu906del (NM_001318730.2, NM_001379.4); c.2401_2403del, p.Glu801del (NM_001318731.2); short protein forms E801del, E906del, E922del.
Identifiers: ClinVar variation 2181217 (VCV002181217.4), dbSNP rs2513799096, ClinGen allele CA2556601976.